The following is an entry in ClinVar:

ClinVar aggregate classification (germline): Likely benign. Review status: criteria provided, multiple submitters, no conflicts (2 of 4 stars). 3 submissions from 3 submitters: Likely benign (3). Last evaluated 2026-01-12.

Conditions:
Cardiovascular phenotype. Identifiers: MedGen CN230736.
Dilated cardiomyopathy 1R (CMD1R). Identifiers: Orphanet 154, Orphanet 54260, MedGen C3150681, MONDO:0013261, OMIM 613424.
Atrial septal defect 5 (ASD5). Identifiers: Orphanet 1478, MedGen C2748552, MONDO:0013011, OMIM 612794.
Hypertrophic cardiomyopathy 11. Also called: ACTC1-Related Familial Hypertrophic Cardiomyopathy. Identifiers: MedGen C2677506, MONDO:0012799, OMIM 612098.
Hypertrophic cardiomyopathy. Also called: HYPERTROPHIC MYOCARDIOPATHY. Identifiers: Orphanet 217569, MedGen C0007194, MeSH D002312, MONDO:0005045, HP:0001639.

Allele frequency attached by ClinVar (database versions not stated): gnomAD 0.00001; ExAC 0.00002; gnomAD exomes 0.00002 and 0.00003; TOPMed 0.00002.
gnomAD v4.1: 11 of 1,614,102 alleles (0.00068%); highest among the groups gnomAD compares: Admixed American, 0.018%; no homozygotes.

Submissions (3):

Labcorp Genetics (formerly Invitae), Labcorp
Classification: Likely benign for Dilated cardiomyopathy 1R; Hypertrophic cardiomyopathy 11; Atrial septal defect 5. Last evaluated: 2026-01-12. Review status: criteria provided, single submitter. Criteria: Invitae Variant Classification Sherloc (09022015). Collection method: clinical testing. Allele origin: germline.

Ambry Genetics
Classification: Likely benign for Cardiovascular phenotype. Last evaluated: 2025-02-22. Review status: criteria provided, single submitter. Criteria: Ambry Variant Classification Scheme 2023. Collection method: clinical testing. Allele origin: germline.

All of Us Research Program, National Institutes of Health
Classification: Likely benign for Hypertrophic cardiomyopathy. Last evaluated: 2023-08-15. Review status: criteria provided, single submitter. Criteria: ACMG Guidelines, 2015. Collection method: clinical testing. Allele origin: germline. Inheritance: Autosomal dominant inheritance. Observed: 4 variant alleles, 4 heterozygotes.
Comment: This study involves interpretation of variants in research participants for the purpose of population health screening. Participant phenotype was not available at the time of variant classification. Additional details can be found in publication PMID: 35346344, PMCID: PMC8962531

NM_005159.5(ACTC1):c.792C>T (p.Phe264=)

Genes: GJD2-DT (GJD2 divergent transcript; plus strand), ACTC1 (actin alpha cardiac muscle 1; minus strand). Cytogenetic location: 15q14.
Variant type: single nucleotide variant.
Coding change: c.792C>T on transcript NM_005159.5 (MANE Select); coding-DNA position 792, C replaced by T.
Protein change: p.Phe264=; no amino-acid change (phenylalanine 264 retained).
Molecular consequence: synonymous variant.
Genome position (GRCh38, 1-based): chr15:34,792,106, G>A on the plus strand (C>T on the coding strand, the complement: ACTC1 is on the minus strand). VCF-style: chr15-34792106-G-A. GRCh37 (hg19) VCF-style: chr15-35084307-G-A.
Other names: c.792C>T (NM_005159.4).
Identifiers: ClinVar variation 1157100 (VCV001157100.11), dbSNP rs769158928, ClinGen allele CA042635.